The following is an entry in ClinVar:

ClinVar aggregate classification (germline): Uncertain significance (1 of 4 stars; one submission).

Conditions:
Inborn genetic diseases. Identifiers: MedGen C0950123, MeSH D030342.

Submission:

Ambry Genetics
Classification: Uncertain significance for Inborn genetic diseases. Last evaluated: 2025-09-18. Review status: criteria provided, single submitter. Criteria: Ambry Variant Classification Scheme 2023. Collection method: clinical testing. Allele origin: germline.
Comment: The p.M1159T variant (also known as c.3476T>C), located in coding exon 16 of the MECOM gene, results from a T to C substitution at nucleotide position 3476. The methionine at codon 1159 is replaced by threonine, an amino acid with similar properties. This amino acid position is conserved. In addition, this alteration is predicted to be tolerated by in silico analysis. Based on the available evidence, the clinical significance of this variant remains unclear.

NM_004991.4(MECOM):c.3476T>C (p.Met1159Thr)

Gene: MECOM (MDS1 and EVI1 complex locus; minus strand). Cytogenetic location: 3q26.2.
Variant type: single nucleotide variant.
Coding change: c.3476T>C on transcript NM_004991.4 (MANE Select); coding-DNA position 3476, T replaced by C.
Protein change: p.Met1159Thr; replaces methionine 1159 with threonine.
Molecular consequence: missense variant.
Genome position (GRCh38, 1-based): chr3:169,089,109, A>G on the plus strand (T>C on the coding strand, the complement: MECOM is on the minus strand). VCF-style: chr3-169089109-A-G. GRCh37 (hg19) VCF-style: chr3-168806897-A-G.
Other names: c.3107T>C, p.Met1036Thr (NM_001105077.4); c.2912T>C, p.Met971Thr (NM_001105078.4, NM_001205194.2, NM_001366469.2 and 1 more transcripts); c.2888T>C, p.Met963Thr (NM_001163999.2, NM_001366470.2); c.2885T>C, p.Met962Thr (NM_001164000.2, NM_001366471.2, NM_001366472.2); c.3449T>C, p.Met1150Thr (NM_001366466.2); c.2915T>C, p.Met972Thr (NM_001366467.2, NM_001366468.2); c.2477T>C, p.Met826Thr (NM_001366473.2); c.1913T>C, p.Met638Thr (NM_001366474.2); short protein forms M1159T, M826T, M962T, M972T, M1036T, M1150T, M638T, M963T.
Identifiers: ClinVar variation 4624587 (VCV004624587.1).